The following is an entry in ClinVar:

NM_001035.3(RYR2):c.2718+26A>G

Gene: RYR2 (ryanodine receptor 2; plus strand). Cytogenetic location: 1q43.
Variant type: single nucleotide variant.
Coding change: c.2718+26A>G on transcript NM_001035.3 (MANE Select); 26 bases into the intron after coding-DNA position 2718, A replaced by G.
Molecular consequence: intron variant.
Genome position (GRCh38, 1-based): chr1:237,506,840, A>G. VCF-style: chr1-237506840-A-G. GRCh37 (hg19) VCF-style: chr1-237670140-A-G.
Other names: c.2718+26A>G (LRG_402t1).
Identifiers: ClinVar variation 257205 (VCV000257205.8), dbSNP rs2618702, ClinGen allele CA086116.

ClinVar aggregate classification (germline): Benign. Review status: criteria provided, multiple submitters, no conflicts (2 of 4 stars). 7 submissions from 5 submitters: Benign (7). Last evaluated 2026-09-21.

Conditions:
Cardiac arrhythmia. Also called: Cardiac rhythm disease; Arrhythmia. Identifiers: MedGen C0003811, MONDO:0007263, HP:0011675.
Arrhythmogenic right ventricular dysplasia 2. Identifiers: MedGen C1832931.
Catecholaminergic polymorphic ventricular tachycardia 1. Also called: VENTRICULAR TACHYCARDIA, CATECHOLAMINERGIC POLYMORPHIC, 1, WITH OR WITHOUT ATRIAL DYSFUNCTION AND/OR DILATED CARDIOMYOPATHY; RYR2-Related Catecholaminergic Polymorphic Ventricular Tachycardia; VENTRICULAR TACHYCARDIA, STRESS-INDUCED POLYMORPHIC 1. Identifiers: Orphanet 3286, MedGen C1631597, MONDO:0011484, OMIM 604772.

Allele frequency attached by ClinVar (database versions not stated): ExAC 0.68044; TOPMed 0.70627; ESP Exome Variant Server 0.71047; gnomAD 0.70996 and 0.71570; gnomAD exomes 0.66650; 1000 Genomes Project 0.69948; 1000 Genomes Project 30x 0.70253.
gnomAD v4.1: 1,054,404 of 1,571,510 alleles (67%); highest among the groups gnomAD compares: African/African-American, 84%; 355,578 homozygotes.

Submissions (7):

Molecular Diagnostic Laboratory for Inherited Cardiovascular Disease, Montreal Heart Institute
Classification: Benign. Last evaluated: 2026-09-21. Review status: criteria provided, single submitter. Criteria: ACMG Guidelines, 2015. Collection method: clinical testing. Allele origin: germline. Affected: no.

Genome-Nilou Lab
Classification: Benign for Catecholaminergic polymorphic ventricular tachycardia 1. Last evaluated: 2021-11-07. Review status: criteria provided, single submitter. Criteria: ACMG Guidelines, 2015. Collection method: clinical testing. Allele origin: germline. Affected: no.

Genome-Nilou Lab
Classification: Benign for Ventricular arrhythmias due to cardiac ryanodine receptor calcium release deficiency syndrome. Last evaluated: 2021-11-07. Review status: criteria provided, single submitter. Criteria: ACMG Guidelines, 2015. Collection method: clinical testing. Allele origin: germline. Affected: no.

Genome-Nilou Lab
Classification: Benign for Catecholaminergic polymorphic ventricular tachycardia 1. Last evaluated: 2021-11-07. Review status: criteria provided, single submitter. Criteria: ACMG Guidelines, 2015. Collection method: clinical testing. Allele origin: germline. Affected: no.

GeneDx
Classification: Benign. Last evaluated: 2018-06-18. Review status: criteria provided, single submitter. Criteria: GeneDx Variant Classification (06012015). Collection method: clinical testing. Allele origin: germline. Affected: yes.
Comment: This variant is considered likely benign or benign based on one or more of the following criteria: it is a conservative change, it occurs at a poorly conserved position in the protein, it is predicted to be benign by multiple in silico algorithms, and/or has population frequency not consistent with disease.

Breakthrough Genomics
Classification: Benign. Review status: criteria provided, single submitter. Criteria: ACMG Guidelines, 2015. Collection method: not provided. Allele origin: germline. Inheritance: Autosomal dominant inheritance. Affected: yes.

PreventionGenetics, part of Exact Sciences
Classification: Benign. Review status: criteria provided, single submitter. Criteria: ACMG Guidelines, 2015. Collection method: clinical testing. Allele origin: germline.